The following is an entry in ClinVar:

NC_000008.10:g.(?_145047551)_(145049537_?)del

Gene: PLEC (plectin; minus strand). Cytogenetic location: 8q24.3.
Variant type: Deletion.
Identifiers: ClinVar variation 2423116 (VCV002423116.6).

ClinVar aggregate classification (germline): Pathogenic (1 of 4 stars; one submission).

Conditions:
Epidermolysis bullosa simplex 5B, with muscular dystrophy (EBS5B). Also called: EPIDERMOLYSIS BULLOSA SIMPLEX AND LIMB-GIRDLE MUSCULAR DYSTROPHY; Epidermolysis bullosa simplex with muscular dystrophy. Identifiers: Orphanet 257, MedGen C2931072, MONDO:0009181, OMIM 226670.
Epidermolysis bullosa simplex with nail dystrophy (EBS5D). Identifiers: MedGen C4225309, MONDO:0014661, OMIM 616487.
Epidermolysis bullosa simplex 5C, with pyloric atresia (EBS5C). Also called: PLEC-Related Epidermolysis Bullosa with Pyloric Atresia; Epidermolysis bullosa simplex with pyloric atresia; PLEC1-Related Epidermolysis Bullosa with Pyloric Atresia. Identifiers: Orphanet 158684, MedGen C2677349, MONDO:0012807, OMIM 612138.
Autosomal recessive limb-girdle muscular dystrophy type 2Q (LGMDR17). Also called: MUSCULAR DYSTROPHY, LIMB-GIRDLE, AUTOSOMAL RECESSIVE 17. Identifiers: Orphanet 254361, MedGen C3150989, MONDO:0013390, OMIM 613723.
Epidermolysis bullosa simplex, Ogna type (EBS5A). Also called: EPIDERMOLYSIS BULLOSA SIMPLEX 5A, OGNA TYPE; Pidermolysis bullosa simplex 5A, Ogna type. Identifiers: Orphanet 79401, MedGen C0432317, MONDO:0007555, OMIM 131950.

Submission:

Labcorp Genetics (formerly Invitae), Labcorp
Classification: Pathogenic for Autosomal recessive limb-girdle muscular dystrophy type 2Q; Epidermolysis bullosa simplex, Ogna type; Epidermolysis bullosa simplex with nail dystrophy; Epidermolysis bullosa simplex 5C, with pyloric atresia; Epidermolysis bullosa simplex 5B, with muscular dystrophy. Last evaluated: 2023-04-06. Review status: criteria provided, single submitter. Criteria: Invitae Variant Classification Sherloc (09022015). Collection method: clinical testing. Allele origin: germline.
Comment: For these reasons, this variant has been classified as Pathogenic. This variant has not been reported in the literature in individuals affected with PLEC-related conditions. This variant is a gross deletion of the genomic region encompassing exon(s) 2 of the PLEC gene, which includes the initiator codon. This deletion extends beyond the assayed region for this gene and therefore may encompass additional genes. It is expected to result in an absent or disrupted protein product. Loss-of-function variants in PLEC are known to be pathogenic (PMID: 20301336, 20447487, 21109228, 23289980, 28824526).

Literature cited by the submitters: PubMed 20301336; PubMed 20447487; PubMed 21109228; PubMed 23289980; PubMed 28824526.